The following is an entry in ClinVar:

NM_021072.4(HCN1):c.303G>A (p.Met101Ile)

Gene: HCN1 (hyperpolarization activated cyclic nucleotide gated potassium channel 1; minus strand). Cytogenetic location: 5p12.
Variant type: single nucleotide variant.
Coding change: c.303G>A on transcript NM_021072.4 (MANE Select); coding-DNA position 303, G replaced by A.
Protein change: p.Met101Ile; replaces methionine 101 with isoleucine.
Molecular consequence: missense variant.
Genome position (GRCh38, 1-based): chr5:45,695,791, C>T on the plus strand (G>A on the coding strand, the complement: HCN1 is on the minus strand). VCF-style: chr5-45695791-C-T. GRCh37 (hg19) VCF-style: chr5-45695893-C-T.
Other names: short protein forms M101I.
Identifiers: ClinVar variation 858492 (VCV000858492.10), dbSNP rs1456742212, ClinGen allele CA359706322.
Genomic context (GRCh38, chr5:45,695,791, plus strand): 5'-TTCCACCGCCTTCTGGCTCCCAAACATGCGGAGGGAGAATTTGTTGACCCCGGGCTGCAG[C>T]ATGGAGGTGAACTGCCTCTGCATGAAGCCGTACTGCCGCCGGGGCCCCTCGGCGTCTTCG-3'
Protein context (NP_066550.2, residues 91-111): YGFMQRQFTS[Met101Ile]LQPGVNKFSL

ClinVar aggregate classification (germline): Uncertain significance (1 of 4 stars; one submission).

Conditions:
Early-infantile DEE. Also called: Ohtahara syndrome; Early infantile epileptic encephalopathy with suppression bursts; Early infantile epileptic encephalopathy. Identifiers: Orphanet 1934, MedGen C0393706, MONDO:0800491.

Allele frequency attached by ClinVar (database versions not stated): TOPMed below 0.00001; gnomAD 0.00001.

Submission:

Labcorp Genetics (formerly Invitae), Labcorp
Classification: Uncertain significance for Early-infantile DEE. Last evaluated: 2026-01-09. Review status: criteria provided, single submitter. Criteria: Invitae Variant Classification Sherloc (09022015). Collection method: clinical testing. Allele origin: germline.
Comment: This sequence change replaces methionine, which is neutral and non-polar, with isoleucine, which is neutral and non-polar, at codon 101 of the HCN1 protein (p.Met101Ile). This variant is present in population databases (no rsID available, gnomAD 0.01%). This variant has not been reported in the literature in individuals affected with HCN1-related conditions. ClinVar contains an entry for this variant (Variation ID: 858492). Invitae Evidence Modeling of protein sequence and biophysical properties (such as structural, functional, and spatial information, amino acid conservation, physicochemical variation, residue mobility, and thermodynamic stability) indicates that this missense variant is not expected to disrupt HCN1 protein function with a negative predictive value of 95%. In summary, the available evidence is currently insufficient to determine the role of this variant in disease. Therefore, it has been classified as a Variant of Uncertain Significance.